The following is an entry in ClinVar:

ClinVar aggregate classification (germline): Uncertain significance (1 of 4 stars; one submission).

gnomAD v4.1: 3 of 1,614,146 alleles (0.00019%); highest among the groups gnomAD compares: Non-Finnish European, 0.00025%; no homozygotes.

Submission:

GeneDx
Classification: Uncertain significance. Last evaluated: 2025-06-20. Review status: criteria provided, single submitter. Criteria: GeneDx Variant Classification Process June 2021. Collection method: clinical testing. Allele origin: germline.
Comment: Not observed at significant frequency in large population cohorts (gnomAD); In silico analysis supports that this missense variant has a deleterious effect on protein structure/function; Has not been previously published as pathogenic or benign to our knowledge

NM_014233.4(UBTF):c.2002C>T (p.Arg668Trp)

Genes: ATXN7L3-AS1 (ATXN7L3 antisense RNA 1; plus strand), UBTF (upstream binding transcription factor; minus strand). Cytogenetic location: 17q21.31.
Variant type: single nucleotide variant.
Coding change: c.2002C>T on transcript NM_014233.4 (MANE Select); coding-DNA position 2002, C replaced by T.
Protein change: p.Arg668Trp; replaces arginine 668 with tryptophan.
Molecular consequence: missense variant. On other transcripts: non-coding transcript variant (1).
Genome position (GRCh38, 1-based): chr17:44,207,722, G>A on the plus strand (C>T on the coding strand, the complement: UBTF is on the minus strand). VCF-style: chr17-44207722-G-A. GRCh37 (hg19) VCF-style: chr17-42285090-G-A.
Other names: c.1891C>T, p.Arg631Trp (NM_001076683.2, NM_001076684.3); short protein forms R631W, R668W.
Identifiers: ClinVar variation 3369850 (VCV003369850.2).